The following is an entry in ClinVar:

NM_001376.5(DYNC1H1):c.2205G>T (p.Leu735=)

Gene: DYNC1H1 (dynein cytoplasmic 1 heavy chain 1; plus strand). Cytogenetic location: 14q32.31.
Variant type: single nucleotide variant.
Coding change: c.2205G>T on transcript NM_001376.5 (MANE Select); coding-DNA position 2205, G replaced by T.
Protein change: p.Leu735=; no amino-acid change (leucine 735 retained).
Molecular consequence: synonymous variant.
Genome position (GRCh38, 1-based): chr14:101,986,430, G>T. VCF-style: chr14-101986430-G-T. GRCh37 (hg19) VCF-style: chr14-102452767-G-T.
Identifiers: ClinVar variation 758681 (VCV000758681.21), dbSNP rs1230024384, ClinGen allele CA488183862.

ClinVar aggregate classification (germline): Likely benign. Review status: criteria provided, multiple submitters, no conflicts (2 of 4 stars). 2 submissions from 2 submitters: Likely benign (2). Last evaluated 2024-12-01.

Conditions:
Charcot-Marie-Tooth disease axonal type 2O. Also called: Charcot-Marie-Tooth Neuropathy Type 2O; Charcot-Marie-Tooth disease, axonal, type 20; CHARCOT-MARIE-TOOTH NEUROPATHY, AXONAL, TYPE 2O; CHARCOT-MARIE-TOOTH DISEASE, AXONAL, AUTOSOMAL DOMINANT, TYPE 2O. Identifiers: Orphanet 284232, MedGen C3280220, MONDO:0013644, OMIM 614228.

Allele frequency attached by ClinVar (database versions not stated): TOPMed 0.00001.
gnomAD v4.1: 2 of 1,614,050 alleles (0.00012%); highest among the groups gnomAD compares: African/African-American, 0.0027%; no homozygotes.

Submissions (2):

CeGaT Center for Human Genetics Tuebingen
Classification: Likely benign. Last evaluated: 2024-12-01. Review status: criteria provided, single submitter. Criteria: CeGaT Center For Human Genetics Tuebingen Variant Classification Criteria Version 2. Collection method: clinical testing. Allele origin: germline. Affected: yes. Observed: 1 variant allele.
Comment: DYNC1H1: BP4, BP7

Labcorp Genetics (formerly Invitae), Labcorp
Classification: Likely benign for Charcot-Marie-Tooth disease axonal type 2O. Last evaluated: 2024-07-30. Review status: criteria provided, single submitter. Criteria: Invitae Variant Classification Sherloc (09022015). Collection method: clinical testing. Allele origin: germline.